The following is an entry in ClinVar:

ClinVar aggregate classification (germline): Pathogenic. Review status: criteria provided, multiple submitters, no conflicts (2 of 4 stars). 2 submissions from 2 submitters: Pathogenic (2). Last evaluated 2025-05-22.

Conditions:
Propionic acidemia (PROP). Also called: GLYCINEMIA, KETOTIC; HYPERGLYCINEMIA WITH KETOACIDOSIS AND LEUKOPENIA; KETOTIC HYPERGLYCINEMIA. Identifiers: Orphanet 35, MedGen C0268579, MONDO:0011628, OMIM 606054, HP:0003571.

Submissions (2):

Natera, Inc.
Classification: Pathogenic for Propionic acidemia. Last evaluated: 2025-05-22. Review status: criteria provided, single submitter. Criteria: Natera Variant Classification Schema (03/2026). Collection method: clinical testing. Allele origin: germline.
Comment: The c.76dup variant in PCCB is a frameshift variant predicted to shift the reading frame beginning at codon 26 and leads to a stop codon 11 codons downstream. This variant is expected to result in nonsense mediated decay, truncation, or a dysfunctional protein product. This variant is rare in the general population with a frequency below the threshold expected for the associated phenotype(s). This variant has been observed in one or more individuals affected with the associated recessive disease, as either homozygous or compound heterozygous with a second variant (PMID: 22033733, 38200289). Given the available evidence, this variant is classified as Pathogenic.

Labcorp Genetics (formerly Invitae), Labcorp
Classification: Pathogenic for Propionic acidemia. Last evaluated: 2024-01-31. Review status: criteria provided, single submitter. Criteria: Invitae Variant Classification Sherloc (09022015). Collection method: clinical testing. Allele origin: germline.
Comment: This sequence change creates a premature translational stop signal (p.Arg26Profs*11) in the PCCB gene. It is expected to result in an absent or disrupted protein product. Loss-of-function variants in PCCB are known to be pathogenic (PMID: 15464417). This variant is not present in population databases (gnomAD no frequency). This premature translational stop signal has been observed in individual(s) with propionic acidemia (PMID: 22033733). ClinVar contains an entry for this variant (Variation ID: 944298). For these reasons, this variant has been classified as Pathogenic.

Literature cited by the submitters: PubMed 22033733 (cited by Natera, Inc. and Labcorp Genetics (formerly Invitae), Labcorp); PubMed 38200289 (cited by Natera, Inc.); PubMed 15464417 (cited by Labcorp Genetics (formerly Invitae), Labcorp).

NM_000532.5(PCCB):c.76dup (p.Arg26fs)

Gene: PCCB (propionyl-CoA carboxylase subunit beta; plus strand). Cytogenetic location: 3q22.3.
Variant type: Duplication.
Coding change: c.76dup on transcript NM_000532.5 (MANE Select); coding-DNA position 76, one base duplicated (C; older notation c.76dupC).
Protein change: p.Arg26fs; shifts the reading frame from arginine 26.
Molecular consequence: frameshift variant.
Genome position (GRCh38, 1-based): chr3:136,250,451, C duplicated; the last of 2 consecutive C bases (chr3:136,250,450-136,250,451); duplicating either gives the same sequence. VCF-style (leftmost placement, unchanged base first): chr3-136250449-T-TC. GRCh37 (hg19) VCF-style: chr3-135969291-T-TC.
Other names: c.76dup, p.Arg26fs (NM_001178014.2); short protein forms R26fs.
Identifiers: ClinVar variation 944298 (VCV000944298.11), dbSNP rs1941479615, ClinGen allele CA1139658276.